The following is an entry in ClinVar:

NM_001170629.2(CHD8):c.846T>C (p.Gly282=)

Gene: CHD8 (chromodomain helicase DNA binding protein 8; minus strand). Cytogenetic location: 14q11.2.
Variant type: single nucleotide variant.
Coding change: c.846T>C on transcript NM_001170629.2 (MANE Select); coding-DNA position 846, T replaced by C.
Protein change: p.Gly282=; no amino-acid change (glycine 282 retained).
Molecular consequence: synonymous variant.
Genome position (GRCh38, 1-based): chr14:21,429,333, A>G on the plus strand (T>C on the coding strand, the complement: CHD8 is on the minus strand). VCF-style: chr14-21429333-A-G. GRCh37 (hg19) VCF-style: chr14-21897492-A-G.
Other names: c.9T>C, p.Gly3= (NM_020920.4).
Identifiers: ClinVar variation 2626948 (VCV002626948.4), dbSNP rs919583163, ClinGen allele CA257557224.

ClinVar aggregate classification (germline): Conflicting classifications of pathogenicity. Review status: criteria provided, conflicting classifications (1 of 4 stars). 2 submissions from 2 submitters: Uncertain significance (1); Likely benign (1). Last evaluated 2023-09-18.

Allele frequency attached by ClinVar (database versions not stated): gnomAD exomes below 0.00001; TOPMed 0.00003.
gnomAD v4.1: 1 of 1,601,862 alleles (0.000062%); highest among the groups gnomAD compares: Admixed American, 0.0017%; no homozygotes.

Submissions (2):

Greenwood Genetic Center Diagnostic Laboratories, Greenwood Genetic Center
Classification: Uncertain significance. Last evaluated: 2023-09-18. Review status: criteria provided, single submitter. Criteria: ACMG Guidelines, 2015. Collection method: clinical testing. Allele origin: germline. Affected: yes.
Comment: PM2

Labcorp Genetics (formerly Invitae), Labcorp
Classification: Likely benign. Last evaluated: 2022-11-03. Review status: criteria provided, single submitter. Criteria: Invitae Variant Classification Sherloc (09022015). Collection method: clinical testing. Allele origin: germline.